The following is an entry in ClinVar:

ClinVar aggregate classification (germline): Likely benign (1 of 4 stars; one submission).

gnomAD v4.1: 516 of 1,473,004 alleles (0.035%); highest among the groups gnomAD compares: South Asian, 0.19%; 3 homozygotes.

Submission:

CeGaT Center for Human Genetics Tuebingen
Classification: Likely benign. Last evaluated: 2025-08-01. Review status: criteria provided, single submitter. Criteria: CeGaT Center For Human Genetics Tuebingen Variant Classification Criteria Version 2. Collection method: clinical testing. Allele origin: germline. Affected: yes. Observed: 1 variant allele.
Comment: CFAP54: BP4

NM_001306084.2(CFAP54):c.9171+4T>C

Gene: CFAP54 (cilia and flagella associated protein 54; plus strand). Cytogenetic location: 12q23.1.
Variant type: single nucleotide variant.
Coding change: c.9171+4T>C on transcript NM_001306084.2 (MANE Select); 4 bases into the intron after coding-DNA position 9171, T replaced by C.
Molecular consequence: intron variant.
Genome position (GRCh38, 1-based): chr12:96,829,092, T>C. VCF-style: chr12-96829092-T-C. GRCh37 (hg19) VCF-style: chr12-97222870-T-C.
Other names: c.9366+4T>C (NM_001367885.1).
Identifiers: ClinVar variation 4083852 (VCV004083852.8).
Genomic context (GRCh38, chr12:96,829,092, plus strand): 5'-TGCTCTGAAATAGCATCTCTGTTTTTGAATGATAAAGAGCCAACACCACTATCTGAGGTA[T>C]GTATTTCTCCTTTAAAATTGTATCTAATTCACTCACAAGTATTATTGCTATGAAATGGAA-3'